The following is an entry in ClinVar:

ClinVar aggregate classification (germline): Uncertain significance. Review status: criteria provided, multiple submitters, no conflicts (2 of 4 stars). 2 submissions from 2 submitters: Uncertain significance (2). Last evaluated 2025-12-23.

Conditions:
Inborn genetic diseases. Identifiers: MedGen C0950123, MeSH D030342.

Allele frequency attached by ClinVar (database versions not stated): ExAC 0.00005; TOPMed 0.00007; ESP Exome Variant Server 0.00008; gnomAD 0.00008; gnomAD exomes 0.00017.

Submissions (2):

GeneDx
Classification: Uncertain significance. Last evaluated: 2025-12-23. Review status: criteria provided, single submitter. Criteria: GeneDx Variant Classification Process June 2021. Collection method: clinical testing. Allele origin: germline.
Comment: In silico analysis supports that this missense variant has a deleterious effect on protein structure/function; Has not been previously published as pathogenic or benign to our knowledge

Ambry Genetics
Classification: Uncertain significance for Inborn genetic diseases. Last evaluated: 2025-08-31. Review status: criteria provided, single submitter. Criteria: Ambry Variant Classification Scheme 2023. Collection method: clinical testing. Allele origin: germline.

NM_020158.4(EXOSC5):c.521A>G (p.Glu174Gly)

Gene: EXOSC5 (exosome component 5; minus strand). Cytogenetic location: 19q13.2.
Variant type: single nucleotide variant.
Coding change: c.521A>G on transcript NM_020158.4 (MANE Select); coding-DNA position 521, A replaced by G.
Protein change: p.Glu174Gly; replaces glutamic acid 174 with glycine.
Molecular consequence: missense variant.
Genome position (GRCh38, 1-based): chr19:41,389,769, T>C on the plus strand (A>G on the coding strand, the complement: EXOSC5 is on the minus strand). VCF-style: chr19-41389769-T-C. GRCh37 (hg19) VCF-style: chr19-41895674-T-C.
Other names: short protein forms E174G.
Identifiers: ClinVar variation 3252118 (VCV003252118.3), dbSNP rs199691911.